The following is an entry in ClinVar:

ClinVar aggregate classification (germline): Uncertain significance (1 of 4 stars; one submission).

Conditions:
Ullrich congenital muscular dystrophy 2 (UCMD2). Identifiers: Orphanet 75840, MedGen C4225314, MONDO:0014654, OMIM 616470.
Bethlem myopathy 2 (BTHLM2). Identifiers: Orphanet 536516, Orphanet 610, MedGen C4225313, MONDO:0034022, OMIM 616471.

Submission:

Labcorp Genetics (formerly Invitae), Labcorp
Classification: Uncertain significance for Bethlem myopathy 2; Ullrich congenital muscular dystrophy 2. Last evaluated: 2026-01-26. Review status: criteria provided, single submitter. Criteria: Invitae Variant Classification Sherloc (09022015). Collection method: clinical testing. Allele origin: germline.
Comment: This sequence change replaces aspartic acid, which is acidic and polar, with alanine, which is neutral and non-polar, at codon 1854 of the COL12A1 protein (p.Asp1854Ala). This variant is not present in population databases (gnomAD no frequency). This variant has not been reported in the literature in individuals affected with COL12A1-related conditions. Invitae Evidence Modeling of protein sequence and biophysical properties (such as structural, functional, and spatial information, amino acid conservation, physicochemical variation, residue mobility, and thermodynamic stability) has been performed for this missense variant. However, the output from this modeling did not meet the statistical confidence thresholds required to predict the impact of this variant on COL12A1 protein function. In summary, the available evidence is currently insufficient to determine the role of this variant in disease. Therefore, it has been classified as a Variant of Uncertain Significance.

NM_004370.6(COL12A1):c.5561A>C (p.Asp1854Ala)

Gene: COL12A1 (collagen type XII alpha 1 chain; minus strand). Cytogenetic location: 6q13.
Variant type: single nucleotide variant.
Coding change: c.5561A>C on transcript NM_004370.6 (MANE Select); coding-DNA position 5561, A replaced by C.
Protein change: p.Asp1854Ala; replaces aspartic acid 1854 with alanine.
Molecular consequence: missense variant.
Genome position (GRCh38, 1-based): chr6:75,133,961, T>G on the plus strand (A>C on the coding strand, the complement: COL12A1 is on the minus strand). VCF-style: chr6-75133961-T-G. GRCh37 (hg19) VCF-style: chr6-75843677-T-G.
Other names: c.5561A>C, p.Asp1854Ala (NM_001424113.1); c.5540A>C, p.Asp1847Ala (NM_001424114.1); c.5288A>C, p.Asp1763Ala (NM_001424115.1); c.2069A>C, p.Asp690Ala (NM_001424116.1, NM_080645.3); short protein forms D1763A, D1854A, D1847A, D690A.
Identifiers: ClinVar variation 4782668 (VCV004782668.1).
Genomic context (GRCh38, chr6:75,133,961, plus strand): 5'-TACTGACGAGGATTTCCCTCTGCATGGTCCCAGCGGACATTCAAGGTGCTGGTAGAAGGG[T>G]CATACACTCTCAGGTTCCTTACAGTGTTTAGAGGTTCTGAAATGCACAGAAATCCCATCA-3'
Protein context (NP_004361.3, residues 1844-1864): LNTVRNLRVY[Asp1854Ala]PSTSTLNVRW